The following is an entry in ClinVar:

ClinVar aggregate classification (germline): Likely pathogenic. Review status: criteria provided, multiple submitters, no conflicts (2 of 4 stars). 2 submissions from 2 submitters: Likely pathogenic (2). Last evaluated 2025-10-15.

Conditions:
Alport syndrome. Also called: Hemorrhagic familial nephritis; Hemorrhagic hereditary nephritis; Congenital hereditary hematuria. Identifiers: Orphanet 63, MedGen C1567741, MONDO:0018965.
COL4A3-related disorder. Also called: COL4A3-Related Disorders; COL4A3-related condition.

Submissions (2):

Natera, Inc.
Classification: Likely pathogenic for Alport syndrome. Last evaluated: 2025-10-15. Review status: criteria provided, single submitter. Criteria: Natera Variant Classification Schema (03/2026). Collection method: clinical testing. Allele origin: germline.
Comment: The c.52_63del variant in COL4A3 is an in-frame deletion. This variant is rare in the general population with a frequency below the threshold expected for the associated phenotype(s). This variant has been observed in one or more individuals affected with the associated recessive disease, as either homozygous or compound heterozygous with a second variant (PMID: 37097554, 33772369). Given the available evidence, this variant is classified as Likely Pathogenic.

PreventionGenetics, part of Exact Sciences
Classification: Likely pathogenic for COL4A3-related condition. Last evaluated: 2025-09-26. Review status: criteria provided, single submitter. Criteria: ACMG Guidelines, 2015. Collection method: clinical testing. Allele origin: germline.
Comment: The COL4A3 c.52_63del12 variant is predicted to result in an in-frame deletion (p.Leu18_Leu21del). To our knowledge, this variant has not been reported in the literature. However, at PreventionGenetics we have detected this variant in the homozygous state in two apparently unrelated individuals referred for Alport syndrome testing (internal data). This variant is reported in 0.0047% of alleles in individuals of South Asian descent in gnomAD. A larger overlapping deletion in COL4A3 defined as c.40_63del24 has been reported to be pathogenic for autosomal recessive Alport syndrome and is considered a founder variant in the Ashkenazi Jewish population (see for example, Webb et al. 2014. PubMed ID: 23927549; Zhang et al. 2021. PubMed ID: 33772369; Zhou et al. 2023. PubMed ID: 37097554). Taken together, the c.52_63del12 (p.Leu18_Leu21del) variant detected in this patient is classified as likely pathogenic for both autosomal dominant and recessive COL4A3-related Alport syndrome spectrum disorders.

Literature cited by the submitters: PubMed 37097554 (cited by Natera, Inc.); PubMed 33772369 (cited by Natera, Inc.).

NM_000091.5(COL4A3):c.52_63del (p.Leu18_Leu21del)

Genes: COL4A3 (collagen type IV alpha 3 chain; plus strand), LOC129935730 (ATAC-STARR-seq lymphoblastoid silent region 12397; plus strand). Cytogenetic location: 2q36.3.
Variant type: Deletion.
Coding change: c.52_63del on transcript NM_000091.5 (MANE Select); coding-DNA positions 52 to 63, 12 bases deleted (CTGGTGCTCCTG).
Protein change: p.Leu18_Leu21del.
Molecular consequence: inframe deletion.
Genome position (GRCh38, 1-based): chr2:227,164,778-227,164,789, CTGGTGCTCCTG deleted; deleting any 12 consecutive bases within chr2:227,164,771-227,164,789 gives the same sequence; the c. name uses the placement nearest the transcript's 3' end. VCF-style (leftmost placement, unchanged base first): chr2-227164770-CGCTCCTGCTGGT-C. GRCh37 (hg19) VCF-style: chr2-228029486-CGCTCCTGCTGGT-C.
Other names: c.52_63del (NM_000091.4); c.52_63del12 (NM_000091.4).
Identifiers: ClinVar variation 4817269 (VCV004817269.2).